The following is an entry in ClinVar:

NM_177438.3(DICER1):c.5731A>G (p.Ser1911Gly)

Gene: DICER1 (dicer 1, ribonuclease III; minus strand). Cytogenetic location: 14q32.13.
Variant type: single nucleotide variant.
Coding change: c.5731A>G on transcript NM_177438.3 (MANE Select); coding-DNA position 5731, A replaced by G.
Protein change: p.Ser1911Gly; replaces serine 1911 with glycine.
Molecular consequence: missense variant. On other transcripts: 3 prime UTR variant (1).
Genome position (GRCh38, 1-based): chr14:95,090,536, T>C on the plus strand (A>G on the coding strand, the complement: DICER1 is on the minus strand). VCF-style: chr14-95090536-T-C. GRCh37 (hg19) VCF-style: chr14-95556873-T-C.
Other names: c.*78A>G (NM_001195573.1); c.5731A>G, p.Ser1911Gly (NM_001271282.3, NM_001291628.2, NM_030621.4); short protein forms S1911G.
Identifiers: ClinVar variation 1004133 (VCV001004133.12), dbSNP rs1889700744, ClinGen allele CA390863023.

ClinVar aggregate classification (germline): Uncertain significance. Review status: criteria provided, multiple submitters, no conflicts (2 of 4 stars). 2 submissions from 2 submitters: Uncertain significance (2). Last evaluated 2024-05-07.

Conditions:
DICER1-related tumor predisposition. Also called: DICER1 syndrome; DICER1-related pleuropulmonary blastoma cancer predisposition syndrome. Identifiers: Orphanet 284343, MedGen C3839822, MONDO:0100216.
Hereditary cancer-predisposing syndrome. Also called: Hereditary neoplastic syndrome; Neoplastic Syndromes, Hereditary; Tumor predisposition; Hereditary Cancer Syndrome. Identifiers: Orphanet 140162, MedGen C0027672, MeSH D009386, MONDO:0015356.

Submissions (2):

Labcorp Genetics (formerly Invitae), Labcorp
Classification: Uncertain significance for DICER1-related tumor predisposition. Last evaluated: 2024-05-07. Review status: criteria provided, single submitter. Criteria: Invitae Variant Classification Sherloc (09022015). Collection method: clinical testing. Allele origin: germline.
Comment: This sequence change replaces serine, which is neutral and polar, with glycine, which is neutral and non-polar, at codon 1911 of the DICER1 protein (p.Ser1911Gly). This variant is not present in population databases (gnomAD no frequency). This variant has not been reported in the literature in individuals affected with DICER1-related conditions. ClinVar contains an entry for this variant (Variation ID: 1004133). An algorithm developed to predict the effect of missense changes on protein structure and function (PolyPhen-2) suggests that this variant is likely to be disruptive. In summary, the available evidence is currently insufficient to determine the role of this variant in disease. Therefore, it has been classified as a Variant of Uncertain Significance.

Ambry Genetics
Classification: Uncertain significance for Hereditary cancer-predisposing syndrome. Last evaluated: 2022-10-17. Review status: criteria provided, single submitter. Criteria: Ambry Variant Classification Scheme 2023. Collection method: clinical testing. Allele origin: germline.
Comment: The p.S1911G variant (also known as c.5731A>G), located in coding exon 26 of the DICER1 gene, results from an A to G substitution at nucleotide position 5731. The serine at codon 1911 is replaced by glycine, an amino acid with similar properties. This amino acid position is highly conserved in available vertebrate species. In addition, this alteration is predicted to be tolerated by in silico analysis. Since supporting evidence is limited at this time, the clinical significance of this alteration remains unclear.